The following is an entry in ClinVar:

ClinVar aggregate classification (germline): Uncertain significance (1 of 4 stars; one submission).

Conditions:
LMBRD2-related disorder.

Submission:

PreventionGenetics, part of Exact Sciences
Classification: Uncertain significance for LMBRD2-related condition. Last evaluated: 2026-08-28. Review status: criteria provided, single submitter. Criteria: ACMG Guidelines, 2015. Collection method: clinical testing. Allele origin: germline.
Comment: The LMBRD2 c.1718A>C variant is predicted to result in the amino acid substitution p.Asn573Thr. To our knowledge, this variant has not been reported in the literature or in a large population database (gnomAD), indicating this variant is rare. At this time, the clinical significance of this variant is uncertain due to the absence of conclusive functional and genetic evidence.

NM_001007527.2(LMBRD2):c.1718A>C (p.Asn573Thr)

Gene: LMBRD2 (LMBR1 domain containing 2; minus strand). Cytogenetic location: 5p13.2.
Variant type: single nucleotide variant.
Coding change: c.1718A>C on transcript NM_001007527.2 (MANE Select); coding-DNA position 1718, A replaced by C.
Protein change: p.Asn573Thr; replaces asparagine 573 with threonine.
Molecular consequence: missense variant.
Genome position (GRCh38, 1-based): chr5:36,111,181, T>G on the plus strand (A>C on the coding strand, the complement: LMBRD2 is on the minus strand). VCF-style: chr5-36111181-T-G. GRCh37 (hg19) VCF-style: chr5-36111283-T-G.
Other names: short protein forms N573T.
Identifiers: ClinVar variation 4994995 (VCV004994995.1).